The following is an entry in ClinVar:

NM_021930.6(RINT1):c.907A>G (p.Ile303Val)

Gene: RINT1 (RAD50 interactor 1; plus strand). Cytogenetic location: 7q22.3.
Variant type: single nucleotide variant.
Coding change: c.907A>G on transcript NM_021930.6 (MANE Select); coding-DNA position 907, A replaced by G.
Protein change: p.Ile303Val; replaces isoleucine 303 with valine.
Molecular consequence: missense variant. On other transcripts: 5 prime UTR variant (2), non-coding transcript variant (1), intron variant (1).
Genome position (GRCh38, 1-based): chr7:105,548,621, A>G. VCF-style: chr7-105548621-A-G. GRCh37 (hg19) VCF-style: chr7-105189068-A-G.
Other names: c.673A>G, p.Ile225Val (NM_001346599.2); c.-113A>G (NM_001346600.2); c.-18A>G (NM_001346601.2); c.-27-1434A>G (NM_001346603.2); short protein forms I225V, I303V.
Identifiers: ClinVar variation 1765693 (VCV001765693.1), dbSNP rs1381026923, ClinGen allele CA368807956.

ClinVar aggregate classification (germline): Uncertain significance (1 of 4 stars; one submission).

Conditions:
Hereditary cancer-predisposing syndrome. Also called: Neoplastic Syndromes, Hereditary; Tumor predisposition; Hereditary Cancer Syndrome; Hereditary neoplastic syndrome. Identifiers: Orphanet 140162, MedGen C0027672, MeSH D009386, MONDO:0015356.

Allele frequency attached by ClinVar (database versions not stated): gnomAD exomes below 0.00001.
gnomAD v4.1: 2 of 1,614,116 alleles (0.00012%); highest among the groups gnomAD compares: East Asian, 0.0045%; no homozygotes.

Submission:

Ambry Genetics
Classification: Uncertain significance for Hereditary cancer-predisposing syndrome. Last evaluated: 2021-12-16. Review status: criteria provided, single submitter. Criteria: Ambry General Variant Classification Scheme_2022. Collection method: clinical testing. Allele origin: germline. Observed: 1 variant allele.
Comment: The p.I303V variant (also known as c.907A>G), located in coding exon 7 of the RINT1 gene, results from an A to G substitution at nucleotide position 907. The isoleucine at codon 303 is replaced by valine, an amino acid with highly similar properties. This amino acid position is not well conserved in available vertebrate species. In addition, this alteration is predicted to be tolerated by in silico analysis. Since supporting evidence is limited at this time, the clinical significance of this alteration remains unclear.